The following is an entry in ClinVar:

NM_024422.6(DSC2):c.22G>A (p.Gly8Ser)

Genes: DSCAS (DSC1/DSC2 antisense RNA; plus strand), DSC2 (desmocollin 2; minus strand). Cytogenetic location: 18q12.1.
Variant type: single nucleotide variant.
Coding change: c.22G>A on transcript NM_024422.6 (MANE Select); coding-DNA position 22, G replaced by A.
Protein change: p.Gly8Ser; replaces glycine 8 with serine.
Molecular consequence: missense variant.
Genome position (GRCh38, 1-based): chr18:31,101,950, C>T on the plus strand (G>A on the coding strand, the complement: DSC2 is on the minus strand). VCF-style: chr18-31101950-C-T. GRCh37 (hg19) VCF-style: chr18-28681913-C-T.
Other names: c.22G>A, p.Gly8Ser (NM_004949.5); short protein forms G8S.
Identifiers: ClinVar variation 536265 (VCV000536265.8), dbSNP rs1555641325, ClinGen allele CA402115294.

ClinVar aggregate classification (germline): Uncertain significance (1 of 4 stars; one submission).

Conditions:
Arrhythmogenic right ventricular dysplasia 11. Also called: Arrhythmogenic right ventricular dysplasia 11 with mild palmoplantar keratoderma and woolly hair; Arrhythmogenic Right Ventricular Dysplasia/Cardiomyopathy11; ARRHYTHMOGENIC RIGHT VENTRICULAR DYSPLASIA, FAMILIAL, 11. Identifiers: MedGen C1864850, MONDO:0012506, OMIM 610476.

Allele frequency attached by ClinVar (database versions not stated): gnomAD exomes below 0.00001; gnomAD 0.00001 and below 0.00001.
gnomAD v4.1: 3 of 1,526,714 alleles (0.0002%); highest among the groups gnomAD compares: South Asian, 0.0024%; no homozygotes.

Submission:

Labcorp Genetics (formerly Invitae), Labcorp
Classification: Uncertain significance for Arrhythmogenic right ventricular dysplasia 11. Last evaluated: 2025-02-05. Review status: criteria provided, single submitter. Criteria: Invitae Variant Classification Sherloc (09022015). Collection method: clinical testing. Allele origin: germline.
Comment: This sequence change replaces glycine, which is neutral and non-polar, with serine, which is neutral and polar, at codon 8 of the DSC2 protein (p.Gly8Ser). This variant is not present in population databases (gnomAD no frequency). This variant has not been reported in the literature in individuals affected with DSC2-related conditions. ClinVar contains an entry for this variant (Variation ID: 536265). An algorithm developed to predict the effect of missense changes on protein structure and function outputs the following: PolyPhen-2: "Benign". The serine amino acid residue is found in multiple mammalian species, which suggests that this missense change does not adversely affect protein function. In summary, the available evidence is currently insufficient to determine the role of this variant in disease. Therefore, it has been classified as a Variant of Uncertain Significance.